The following is an entry in ClinVar:

ClinVar aggregate classification (germline): Uncertain significance (1 of 4 stars; one submission).

Submission:

Labcorp Genetics (formerly Invitae), Labcorp
Classification: Uncertain significance. Last evaluated: 2025-08-17. Review status: criteria provided, single submitter. Criteria: Invitae Variant Classification Sherloc (09022015). Collection method: clinical testing. Allele origin: germline.
Comment: This sequence change replaces serine, which is neutral and polar, with proline, which is neutral and non-polar, at codon 2 of the RP9 protein (p.Ser2Pro). This variant is present in population databases (no rsID available, gnomAD 0.01%). This variant has not been reported in the literature in individuals affected with RP9-related conditions. An algorithm developed to predict the effect of missense changes on protein structure and function (PolyPhen-2) suggests that this variant is likely to be disruptive. In summary, the available evidence is currently insufficient to determine the role of this variant in disease. Therefore, it has been classified as a Variant of Uncertain Significance.

NM_203288.2(RP9):c.4T>C (p.Ser2Pro)

Genes: RP9 (RP9 pre-mRNA splicing factor; minus strand), LOC129998225 (ATAC-STARR-seq lymphoblastoid silent region 18090; plus strand). Cytogenetic location: 7p14.3.
Variant type: single nucleotide variant.
Coding change: c.4T>C on transcript NM_203288.2 (MANE Select); coding-DNA position 4, T replaced by C.
Protein change: p.Ser2Pro; replaces serine 2 with proline.
Molecular consequence: missense variant.
Genome position (GRCh38, 1-based): chr7:33,109,369, A>G on the plus strand (T>C on the coding strand, the complement: RP9 is on the minus strand). VCF-style: chr7-33109369-A-G. GRCh37 (hg19) VCF-style: chr7-33148981-A-G.
Other names: short protein forms S2P.
Identifiers: ClinVar variation 4691535 (VCV004691535.1).